The following is an entry in ClinVar:

NM_004006.3(DMD):c.2617T>C (p.Cys873Arg)

Gene: DMD (dystrophin; minus strand). Cytogenetic location: Xp21.1.
Variant type: single nucleotide variant.
Coding change: c.2617T>C on transcript NM_004006.3 (MANE Select); coding-DNA position 2617, T replaced by C.
Protein change: p.Cys873Arg; replaces cysteine 873 with arginine.
Molecular consequence: missense variant.
Genome position (GRCh38, 1-based): chrX:32,491,282, A>G on the plus strand (T>C on the coding strand, the complement: DMD is on the minus strand). VCF-style: chrX-32491282-A-G. GRCh37 (hg19) VCF-style: chrX-32509399-A-G.
Other names: c.2593T>C, p.Cys865Arg (NM_000109.4); c.2605T>C, p.Cys869Arg (NM_004009.3); c.2248T>C, p.Cys750Arg (NM_004010.3); short protein forms C873R, C750R, C869R, C865R.
Identifiers: ClinVar variation 382670 (VCV000382670.48), dbSNP rs200872948, ClinGen allele CA10379488.
Genomic context (GRCh38, chrX:32,491,282, plus strand): 5'-TTGCCAAGAAATACCTATTGATTATGCTCCAAATGGAAGGAGAAGAGATTCTTACCTTAC[A>G]AATTTTTAACTGACTTTTAATTGCTGTTGGCTCTGATGGGGTGGTGGGTTGGATTTTCAA-3'
Protein context (NP_003997.2, residues 863-883): PTAIKSQLKI[Cys873Arg]KDEVNRLSDL

ClinVar aggregate classification (germline): Conflicting classifications of pathogenicity. Review status: criteria provided, conflicting classifications (1 of 4 stars). 8 submissions from 8 submitters: Uncertain significance (5); Likely benign (3). Last evaluated 2026-02-01.

Conditions:
Duchenne muscular dystrophy (DMD). Also called: MUSCULAR DYSTROPHY, PSEUDOHYPERTROPHIC PROGRESSIVE, DUCHENNE TYPE; Duchenne Muscular Dystrophy (DMD). Identifiers: Orphanet 98896, MedGen C0013264, MONDO:0010679, OMIM 310200.
Dilated cardiomyopathy 3B (CMD3B). Also called: CMD3B: DMD-Related Dilated Cardiomyopathy; CARDIOMYOPATHY, DILATED, X-LINKED; DMD-Associated Dilated Cardiomyopathy. Identifiers: Orphanet 154, MedGen C3668940, MONDO:0010542, OMIM 302045.
Cardiovascular phenotype. Identifiers: MedGen CN230736.

Allele frequency attached by ClinVar (database versions not stated): gnomAD exomes 0.00001; ExAC 0.00002; TOPMed 0.00003.
gnomAD v4.1: 14 of 1,210,532 alleles (0.0012%); highest among the groups gnomAD compares: South Asian, 0.0018%; no homozygotes.

Submissions (8):

CeGaT Center for Human Genetics Tuebingen
Classification: Likely benign. Last evaluated: 2026-02-01. Review status: criteria provided, single submitter. Criteria: CeGaT Center For Human Genetics Tuebingen Variant Classification Criteria Version 2. Collection method: clinical testing. Allele origin: germline. Affected: yes. Observed: 2 variant alleles.
Comment: DMD: BS2

Labcorp Genetics (formerly Invitae), Labcorp
Classification: Likely benign for Duchenne muscular dystrophy. Last evaluated: 2025-11-16. Review status: criteria provided, single submitter. Criteria: Invitae Variant Classification Sherloc (09022015). Collection method: clinical testing. Allele origin: germline.

Revvity Omics, Revvity
Classification: Uncertain significance. Last evaluated: 2023-06-06. Review status: criteria provided, single submitter. Criteria: ACMG Guidelines, 2015. Collection method: clinical testing. Allele origin: germline.

Ambry Genetics
Classification: Uncertain significance for Cardiovascular phenotype. Last evaluated: 2023-02-02. Review status: criteria provided, single submitter. Criteria: Ambry Variant Classification Scheme 2023. Collection method: clinical testing. Allele origin: germline.
Comment: The p.C873R variant (also known as c.2617T>C), located in coding exon 20 of the DMD gene, results from a T to C substitution at nucleotide position 2617. The cysteine at codon 873 is replaced by arginine, an amino acid with highly dissimilar properties. Based on data from gnomAD, the C allele has an overall frequency of <0.01% (2/183322) total alleles studied, with 2 hemizygote(s) observed. The highest observed frequency was <0.01% (2/81763) of European (non-Finnish) alleles. This amino acid position is highly conserved in available vertebrate species. In addition, this alteration is predicted to be deleterious by in silico analysis. Since supporting evidence is limited at this time, the clinical significance of this alteration remains unclear.

Genome-Nilou Lab
Classification: Uncertain significance for Duchenne muscular dystrophy. Last evaluated: 2021-05-18. Review status: criteria provided, single submitter. Criteria: ACMG Guidelines, 2015. Collection method: clinical testing. Allele origin: germline. Affected: no.

Centre for Mendelian Genomics, University Medical Centre Ljubljana
Classification: Uncertain significance for Dilated cardiomyopathy 3B. Last evaluated: 2018-12-11. Review status: criteria provided, single submitter. Criteria: ACMG Guidelines, 2015. Collection method: clinical testing. Allele origin: unknown. Affected: yes.
Comment: This variant was classified as: Uncertain significance. The available evidence on this variant's pathogenicity is insufficient or conflicting. The following ACMG criteria were applied in classifying this variant: PP3,BP1. This variant was detected in hemizygous state.

Eurofins Ntd Llc (ga)
Classification: Uncertain significance. Last evaluated: 2018-08-09. Review status: criteria provided, single submitter. Criteria: EGL ClinVar v180209 classification definitions. Collection method: clinical testing. Allele origin: germline. Observed: 2 variant alleles, 1 heterozygote, 1 hemizygote.

GeneDx
Classification: Likely benign. Last evaluated: 2016-02-10. Review status: criteria provided, single submitter. Criteria: GeneDx Variant Classification (06012015). Collection method: clinical testing. Allele origin: germline. Affected: yes.
Comment: This variant is considered likely benign or benign based on one or more of the following criteria: it is a conservative change, it occurs at a poorly conserved position in the protein, it is predicted to be benign by multiple in silico algorithms, and/or has population frequency not consistent with disease.

Literature cited by the submitters: PubMed 30564623 (cited by Ambry Genetics).